The following is an entry in ClinVar:

ClinVar aggregate classification (germline): Likely pathogenic (1 of 4 stars; one submission).

Conditions:
Dilated cardiomyopathy 1G (CMD1G). Identifiers: Orphanet 154, MedGen C1858763, MONDO:0011400, OMIM 604145.
Autosomal recessive limb-girdle muscular dystrophy type 2J (LGMDR10). Also called: Limb-girdle muscular dystrophy, type 2J; MUSCULAR DYSTROPHY, LIMB-GIRDLE, AUTOSOMAL RECESSIVE 10. Identifiers: Orphanet 140922, MedGen C1837342, MONDO:0012127, OMIM 608807.

Submission:

Labcorp Genetics (formerly Invitae), Labcorp
Classification: Likely pathogenic for Dilated cardiomyopathy 1G; Autosomal recessive limb-girdle muscular dystrophy type 2J. Last evaluated: 2021-06-22. Review status: criteria provided, single submitter. Criteria: Invitae Variant Classification Sherloc (09022015). Collection method: clinical testing. Allele origin: germline.
Comment: In summary, the currently available evidence indicates that the variant is pathogenic, but additional data are needed to prove that conclusively. Therefore, this variant has been classified as Likely Pathogenic. This variant is located in the A band of TTN (PMID: 25589632). Truncating variants in this region are significantly overrepresented in patients affected with dilated cardiomyopathy (PMID: 25589632). Truncating variants in this region have also been reported in individuals affected with autosomal recessive centronuclear myopathy (PMID: 23975875). This variant has not been reported in the literature in individuals with TTN-related conditions. This variant is not present in population databases (ExAC no frequency). This sequence change creates a premature translational stop signal (p.Gly23716Hisfs*6) in the TTN gene. While this is not anticipated to result in nonsense mediated decay, it is expected to create a truncated TTN protein.

Literature cited by the submitters: PubMed 25589632; PubMed 23975875.

NM_001267550.2(TTN):c.71146_71156del (p.Gly23716fs)

Genes: TTN-AS1 (TTN antisense RNA 1; plus strand), TTN (titin; minus strand). Cytogenetic location: 2q31.2.
Variant type: Deletion.
Coding change: c.71146_71156del on transcript NM_001267550.2 (MANE Select); coding-DNA positions 71146 to 71156, 11 bases deleted (GGTGATGTCAT).
Protein change: p.Gly23716fs; shifts the reading frame from glycine 23716.
Molecular consequence: frameshift variant.
Genome position (GRCh38, 1-based): chr2:178,574,976-178,574,986, ATGACATCACC deleted on the plus strand (GGTGATGTCAT on the coding strand, the reverse complement: TTN is on the minus strand); deleting any 11 consecutive bases within chr2:178,574,976-178,574,987 gives the same sequence; the c. name uses the placement nearest the transcript's 3' end. VCF-style (leftmost placement, unchanged base first): chr2-178574975-GATGACATCACC-G. GRCh37 (hg19) VCF-style: chr2-179439702-GATGACATCACC-G.
Other names: c.66223_66233del, p.Gly22075fs (NM_001256850.1); c.43951_43961del, p.Gly14651fs (NM_003319.4); c.63442_63452del, p.Gly21148fs (NM_133378.4); c.44326_44336del, p.Gly14776fs (NM_133432.3); c.44527_44537del, p.Gly14843fs (NM_133437.4); short protein forms G21148fs, G14776fs, G23716fs, G14651fs, G14843fs, G22075fs.
Identifiers: ClinVar variation 1477925 (VCV001477925.8), dbSNP rs2154171911, ClinGen allele CA2573134318.